The following is an entry in ClinVar:

NM_005006.7(NDUFS1):c.872+6T>C

Gene: NDUFS1 (NADH:ubiquinone oxidoreductase core subunit S1; minus strand). Cytogenetic location: 2q33.3.
Variant type: single nucleotide variant.
Coding change: c.872+6T>C on transcript NM_005006.7 (MANE Select); 6 bases into the intron after coding-DNA position 872, T replaced by C.
Molecular consequence: intron variant.
Genome position (GRCh38, 1-based): chr2:206,144,886, A>G on the plus strand (T>C on the coding strand, the complement: NDUFS1 is on the minus strand). VCF-style: chr2-206144886-A-G. GRCh37 (hg19) VCF-style: chr2-207009610-A-G.
Other names: c.539+6T>C (NM_001199982.2); c.701+6T>C (NM_001199983.2); c.764+6T>C (NM_001199981.2); c.914+6T>C (NM_001199984.2).
Identifiers: ClinVar variation 2037047 (VCV002037047.4), dbSNP rs1271032184, ClinGen allele CA539058085.

ClinVar aggregate classification (germline): Uncertain significance (1 of 4 stars; one submission).

Allele frequency attached by ClinVar (database versions not stated): gnomAD 0.00001; gnomAD exomes 0.00001; TOPMed 0.00001.

Submission:

Labcorp Genetics (formerly Invitae), Labcorp
Classification: Uncertain significance. Last evaluated: 2022-06-17. Review status: criteria provided, single submitter. Criteria: Invitae Variant Classification Sherloc (09022015). Collection method: clinical testing. Allele origin: germline.
Comment: In summary, the available evidence is currently insufficient to determine the role of this variant in disease. Therefore, it has been classified as a Variant of Uncertain Significance. Variants that disrupt the consensus splice site are a relatively common cause of aberrant splicing (PMID: 17576681, 9536098). Algorithms developed to predict the effect of sequence changes on RNA splicing suggest that this variant is not likely to affect RNA splicing. This variant has not been reported in the literature in individuals affected with NDUFS1-related conditions. This variant is present in population databases (no rsID available, gnomAD 0.003%). This sequence change falls in intron 9 of the NDUFS1 gene. It does not directly change the encoded amino acid sequence of the NDUFS1 protein. It affects a nucleotide within the consensus splice site.

Literature cited by the submitters: PubMed 17576681; PubMed 9536098.